The following is an entry in ClinVar:

NM_024408.4(NOTCH2):c.5947T>C (p.Trp1983Arg)

Gene: NOTCH2 (notch receptor 2; minus strand). Cytogenetic location: 1p12.
Variant type: single nucleotide variant.
Coding change: c.5947T>C on transcript NM_024408.4 (MANE Select); coding-DNA position 5947, T replaced by C.
Protein change: p.Trp1983Arg; replaces tryptophan 1983 with arginine.
Molecular consequence: missense variant.
Genome position (GRCh38, 1-based): chr1:119,917,745, A>G on the plus strand (T>C on the coding strand, the complement: NOTCH2 is on the minus strand). VCF-style: chr1-119917745-A-G. GRCh37 (hg19) VCF-style: chr1-120460368-A-G.
Other names: short protein forms W1983R.
Identifiers: ClinVar variation 4995943 (VCV004995943.1).

ClinVar aggregate classification (germline): Uncertain significance (1 of 4 stars; one submission).

Conditions:
NOTCH2-related disorder. Also called: NOTCH2-related condition.

Submission:

PreventionGenetics, part of Exact Sciences
Classification: Uncertain significance for NOTCH2-related condition. Last evaluated: 2026-03-09. Review status: criteria provided, single submitter. Criteria: ACMG Guidelines, 2015. Collection method: clinical testing. Allele origin: germline.
Comment: The NOTCH2 c.5947T>C variant is predicted to result in the amino acid substitution p.Trp1983Arg. To our knowledge, this variant has not been reported in the literature or in a large population database (gnomAD), indicating this variant is rare. At this time, the clinical significance of this variant is uncertain due to the absence of conclusive functional and genetic evidence.